The following is an entry in ClinVar:

NM_013261.5(PPARGC1A):c.1215A>G (p.Gln405=)

Gene: PPARGC1A (PPARG coactivator 1 alpha; minus strand). Cytogenetic location: 4p15.2.
Variant type: single nucleotide variant.
Coding change: c.1215A>G on transcript NM_013261.5 (MANE Select); coding-DNA position 1215, A replaced by G.
Protein change: p.Gln405=; no amino-acid change (glutamine 405 retained).
Molecular consequence: synonymous variant. On other transcripts: non-coding transcript variant (7).
Genome position (GRCh38, 1-based): chr4:23,814,268, T>C on the plus strand (A>G on the coding strand, the complement: PPARGC1A is on the minus strand). VCF-style: chr4-23814268-T-C. GRCh37 (hg19) VCF-style: chr4-23815891-T-C.
Other names: c.1230A>G, p.Gln410= (NM_001330751.2, NM_001354825.2, NM_001354827.2); c.1179A>G, p.Gln393= (NM_001330752.2); c.834A>G, p.Gln278= (NM_001330753.2, NM_001354826.2).
Identifiers: ClinVar variation 2654695 (VCV002654695.24), dbSNP rs200225774, ClinGen allele CA2875286.

ClinVar aggregate classification (germline): Likely benign (1 of 4 stars; one submission).

Allele frequency attached by ClinVar (database versions not stated): gnomAD exomes 0.00002; TOPMed 0.00003; ExAC 0.00004; gnomAD 0.00005; 1000 Genomes Project 30x 0.00016; 1000 Genomes Project 0.00020.
gnomAD v4.1: 39 of 1,614,080 alleles (0.0024%); highest among the groups gnomAD compares: Non-Finnish European, 0.0028%; no homozygotes.

Submission:

CeGaT Center for Human Genetics Tuebingen
Classification: Likely benign. Last evaluated: 2023-04-01. Review status: criteria provided, single submitter. Criteria: CeGaT Center For Human Genetics Tuebingen Variant Classification Criteria Version 2. Collection method: clinical testing. Allele origin: germline. Affected: yes. Observed: 1 variant allele.
Comment: PPARGC1A: BP4, BP7